The following is an entry in ClinVar:

ClinVar aggregate classification (germline): Uncertain significance. Review status: criteria provided, multiple submitters, no conflicts (2 of 4 stars). 2 submissions from 2 submitters: Uncertain significance (2). Last evaluated 2023-11-09.

Conditions:
Shprintzen-Goldberg syndrome (SGS). Also called: SHPRINTZEN-GOLDBERG CRANIOSYNOSTOSIS SYNDROME; CRANIOSYNOSTOSIS WITH ARACHNODACTYLY AND ABDOMINAL HERNIAS; Marfanoid disorder with craniosynostosis type 1; Marfanoid craniosynostosis syndrome; Shprintzen-Goldberg marfanoid syndrome. Identifiers: Orphanet 2462, MedGen C1321551, MONDO:0008426, OMIM 182212.

Allele frequency attached by ClinVar (database versions not stated): ExAC 0.00001; gnomAD exomes below 0.00001.
gnomAD v4.1: 3 of 1,613,224 alleles (0.00019%); highest among the groups gnomAD compares: Admixed American, 0.0017%; no homozygotes.

Submissions (2):

Labcorp Genetics (formerly Invitae), Labcorp
Classification: Uncertain significance for Shprintzen-Goldberg syndrome. Last evaluated: 2023-11-09. Review status: criteria provided, single submitter. Criteria: Invitae Variant Classification Sherloc (09022015). Collection method: clinical testing. Allele origin: germline.
Comment: This sequence change replaces asparagine, which is neutral and polar, with isoleucine, which is neutral and non-polar, at codon 364 of the SKI protein (p.Asn364Ile). This variant is present in population databases (rs763338270, gnomAD 0.0009%). This variant has not been reported in the literature in individuals affected with SKI-related conditions. ClinVar contains an entry for this variant (Variation ID: 1308589). Advanced modeling of protein sequence and biophysical properties (such as structural, functional, and spatial information, amino acid conservation, physicochemical variation, residue mobility, and thermodynamic stability) performed at Invitae indicates that this missense variant is not expected to disrupt SKI protein function with a negative predictive value of 95%. In summary, the available evidence is currently insufficient to determine the role of this variant in disease. Therefore, it has been classified as a Variant of Uncertain Significance.

GeneDx
Classification: Uncertain significance. Last evaluated: 2019-01-28. Review status: criteria provided, single submitter. Criteria: GeneDx Variant Classification Process June 2021. Collection method: clinical testing. Allele origin: germline. Affected: yes.
Comment: Not observed at a significant frequency in large population cohorts (Lek et al., 2016); In silico analysis, which includes protein predictors and evolutionary conservation, supports a deleterious effect; Has not been previously published as pathogenic or benign to our knowledge

NM_003036.4(SKI):c.1091A>T (p.Asn364Ile)

Gene: SKI (SKI proto-oncogene; plus strand). Cytogenetic location: 1p36.32.
Variant type: single nucleotide variant.
Coding change: c.1091A>T on transcript NM_003036.4 (MANE Select); coding-DNA position 1091, A replaced by T.
Protein change: p.Asn364Ile; replaces asparagine 364 with isoleucine.
Molecular consequence: missense variant.
Genome position (GRCh38, 1-based): chr1:2,303,099, A>T. VCF-style: chr1-2303099-A-T. GRCh37 (hg19) VCF-style: chr1-2234538-A-T.
Other names: short protein forms N364I.
Identifiers: ClinVar variation 1308589 (VCV001308589.7), dbSNP rs763338270, ClinGen allele CA536550.